The following is an entry in ClinVar:

ClinVar aggregate classification (germline): Uncertain significance (1 of 4 stars; one submission).

Submission:

Labcorp Genetics (formerly Invitae), Labcorp
Classification: Uncertain significance. Last evaluated: 2024-01-19. Review status: criteria provided, single submitter. Criteria: Invitae Variant Classification Sherloc (09022015). Collection method: clinical testing. Allele origin: germline.
Comment: This sequence change replaces arginine, which is basic and polar, with serine, which is neutral and polar, at codon 229 of the SLC19A1 protein (p.Arg229Ser). This variant is not present in population databases (gnomAD no frequency). This variant has not been reported in the literature in individuals affected with SLC19A1-related conditions. ClinVar contains an entry for this variant (Variation ID: 2099039). An algorithm developed to predict the effect of missense changes on protein structure and function (PolyPhen-2) suggests that this variant is likely to be tolerated. In summary, the available evidence is currently insufficient to determine the role of this variant in disease. Therefore, it has been classified as a Variant of Uncertain Significance.

NM_194255.4(SLC19A1):c.685C>A (p.Arg229Ser)

Gene: SLC19A1 (solute carrier family 19 member 1; minus strand). Cytogenetic location: 21q22.3.
Variant type: single nucleotide variant.
Coding change: c.685C>A on transcript NM_194255.4 (MANE Select); coding-DNA position 685, C replaced by A.
Protein change: p.Arg229Ser; replaces arginine 229 with serine.
Molecular consequence: missense variant.
Genome position (GRCh38, 1-based): chr21:45,531,653, G>T on the plus strand (C>A on the coding strand, the complement: SLC19A1 is on the minus strand). VCF-style: chr21-45531653-G-T. GRCh37 (hg19) VCF-style: chr21-46951567-G-T.
Other names: c.685C>A, p.Arg229Ser (NM_001205206.4, NM_001352511.3, NM_001352512.2); c.565C>A, p.Arg189Ser (NM_001205207.3); c.331C>A, p.Arg111Ser (NM_001352510.2); short protein forms R111S, R229S, R189S.
Identifiers: ClinVar variation 2099039 (VCV002099039.4), dbSNP rs1167615796, ClinGen allele CA410509137.
Genomic context (GRCh38, chr21:45,531,653, plus strand): 5'-AGTCCCCACAGGCCACCCGCAGGGCGTGTCCCAGCTTCCCGCCTGGGCCAGGATTCATGC[G>T]CTCCAGCTCCGAAGCCGAGGTTTCGCACCGCCCCCGGTCGTCGCGGTTGAAGAAGAGGCT-3'
Protein context (NP_919231.1, residues 219-239): RCETSASELE[Arg229Ser]MNPGPGGKLG